The following is an entry in ClinVar:

NM_005228.5(EGFR):c.1505C>G (p.Thr502Arg)

Gene: EGFR (epidermal growth factor receptor; plus strand). Cytogenetic location: 7p11.2.
Variant type: single nucleotide variant.
Coding change: c.1505C>G on transcript NM_005228.5 (MANE Select); coding-DNA position 1505, C replaced by G.
Protein change: p.Thr502Arg; replaces threonine 502 with arginine.
Molecular consequence: missense variant.
Genome position (GRCh38, 1-based): chr7:55,161,505, C>G. VCF-style: chr7-55161505-C-G. GRCh37 (hg19) VCF-style: chr7-55229198-C-G.
Other names: c.1370C>G, p.Thr457Arg (NM_001346897.2, NM_001346899.2); c.1505C>G, p.Thr502Arg (NM_001346898.2, NM_201282.2, NM_201284.2); c.1346C>G, p.Thr449Arg (NM_001346900.2); c.704C>G, p.Thr235Arg (NM_001346941.2); short protein forms T235R, T502R, T449R, T457R.
Identifiers: ClinVar variation 3843788 (VCV003843788.1).
Genomic context (GRCh38, chr7:55,161,505, plus strand): 5'-CCCCTCGGGTCCCTGCTCTGTCACTGACTGCTGTGACCCACTCTGTCTCCGCAGAGGCCA[C>G]AGGCCAGGTCTGCCATGCCTTGTGCTCCCCCGAGGGCTGCTGGGGCCCGGAGCCCAGGGA-3'
Protein context (NP_005219.2, residues 492-512): SNRGENSCKA[Thr502Arg]GQVCHALCSP

ClinVar aggregate classification (germline): Uncertain significance (1 of 4 stars; one submission).

Conditions:
Hereditary cancer-predisposing syndrome. Also called: Hereditary neoplastic syndrome; Neoplastic Syndromes, Hereditary; Tumor predisposition; Hereditary Cancer Syndrome. Identifiers: Orphanet 140162, MedGen C0027672, MeSH D009386, MONDO:0015356.

Submission:

Ambry Genetics
Classification: Uncertain significance for Hereditary cancer-predisposing syndrome. Last evaluated: 2024-12-29. Review status: criteria provided, single submitter. Criteria: Ambry Variant Classification Scheme 2023. Collection method: clinical testing. Allele origin: germline.
Comment: The p.T502R variant (also known as c.1505C>G), located in coding exon 13 of the EGFR gene, results from a C to G substitution at nucleotide position 1505. The threonine at codon 502 is replaced by arginine, an amino acid with similar properties. This amino acid position is conserved. In addition, this alteration is predicted to be tolerated by in silico analysis. Based on the available evidence, the clinical significance of this variant remains unclear.